The following is an entry in ClinVar:

NM_080680.3(COL11A2):c.2430+51G>C

Gene: COL11A2 (collagen type XI alpha 2 chain; minus strand). Cytogenetic location: 6p21.32.
Variant type: single nucleotide variant.
Coding change: c.2430+51G>C on transcript NM_080680.3 (MANE Select); 51 bases into the intron after coding-DNA position 2430, G replaced by C.
Molecular consequence: intron variant.
Genome position (GRCh38, 1-based): chr6:33,174,476, C>G on the plus strand (G>C on the coding strand, the complement: COL11A2 is on the minus strand). VCF-style: chr6-33174476-C-G. GRCh37 (hg19) VCF-style: chr6-33142253-C-G.
Other names: c.2109+51G>C (NM_080679.3); c.2172+51G>C (NM_080681.3).
Identifiers: ClinVar variation 674770 (VCV000674770.1), dbSNP rs2855428, ClinGen allele CA3750908.

ClinVar aggregate classification (germline): Benign (1 of 4 stars; one submission).

Allele frequency attached by ClinVar (database versions not stated): ESP Exome Variant Server 0.77097; gnomAD 0.77298; TOPMed 0.79397; 1000 Genomes Project 0.86961; 1000 Genomes Project 30x 0.87149.
gnomAD v4.1: 1,191,096 of 1,600,220 alleles (74%); highest among the groups gnomAD compares: East Asian, 98%; 447,270 homozygotes.

Submission:

GeneDx
Classification: Benign. Last evaluated: 2018-06-13. Review status: criteria provided, single submitter. Criteria: GeneDx Variant Classification (06012015). Collection method: clinical testing. Allele origin: germline. Affected: yes.
Comment: This variant is considered likely benign or benign based on one or more of the following criteria: it is a conservative change, it occurs at a poorly conserved position in the protein, it is predicted to be benign by multiple in silico algorithms, and/or has population frequency not consistent with disease.